The following is an entry in ClinVar:

NM_000368.5(TSC1):c.2682T>C (p.His894=)

Gene: TSC1 (TSC complex subunit 1; minus strand). Cytogenetic location: 9q34.13.
Variant type: single nucleotide variant.
Coding change: c.2682T>C on transcript NM_000368.5 (MANE Select); coding-DNA position 2682, T replaced by C.
Protein change: p.His894=; no amino-acid change (histidine 894 retained).
Molecular consequence: synonymous variant.
Genome position (GRCh38, 1-based): chr9:132,897,554, A>G on the plus strand (T>C on the coding strand, the complement: TSC1 is on the minus strand). VCF-style: chr9-132897554-A-G. GRCh37 (hg19) VCF-style: chr9-135772941-A-G.
Other names: c.2679T>C, p.His893= (NM_001162426.2); c.2529T>C, p.His843= (NM_001162427.2); c.2319T>C, p.His773= (NM_001362177.2).
Identifiers: ClinVar variation 466095 (VCV000466095.14), dbSNP rs771479673, ClinGen allele CA034246.

ClinVar aggregate classification (germline): Benign/Likely benign. Review status: criteria provided, multiple submitters, no conflicts (2 of 4 stars). 4 submissions from 4 submitters: Benign (1); Likely benign (3). Last evaluated 2025-04-29.

Conditions:
Tuberous sclerosis syndrome (TSC). Also called: Tuberous Sclerosis Complex; Tuberous sclerosis. Identifiers: Orphanet 805, MedGen C0041341, MONDO:0001734.
Tuberous sclerosis 1 (TSC1). Identifiers: Orphanet 805, MedGen C1854465, MONDO:0008612, OMIM 191100.
Hereditary cancer-predisposing syndrome. Also called: Hereditary neoplastic syndrome; Neoplastic Syndromes, Hereditary; Tumor predisposition; Hereditary Cancer Syndrome. Identifiers: Orphanet 140162, MedGen C0027672, MeSH D009386, MONDO:0015356.

Allele frequency attached by ClinVar (database versions not stated): gnomAD exomes below 0.00001; ExAC 0.00001.
gnomAD v4.1: 2 of 1,565,280 alleles (0.00013%); highest among the groups gnomAD compares: South Asian, 0.0011%; no homozygotes.

Submissions (4):

Myriad Genetics, Inc.
Classification: Benign for Tuberous sclerosis 1. Last evaluated: 2025-04-29. Review status: criteria provided, single submitter. Criteria: Myriad Autosomal Dominant, Autosomal Recessive and X-Linked Classification Criteria (2023). Collection method: clinical testing. Allele origin: unknown.
Comment: This variant is considered benign. This variant is a silent/synonymous amino acid change and it is not expected to impact splicing.

Labcorp Genetics (formerly Invitae), Labcorp
Classification: Likely benign for Tuberous sclerosis 1. Last evaluated: 2024-11-23. Review status: criteria provided, single submitter. Criteria: Invitae Variant Classification Sherloc (09022015). Collection method: clinical testing. Allele origin: germline.

Ambry Genetics
Classification: Likely benign for Hereditary cancer-predisposing syndrome. Last evaluated: 2024-09-15. Review status: criteria provided, single submitter. Criteria: Ambry Variant Classification Scheme 2023. Collection method: clinical testing. Allele origin: germline.

All of Us Research Program, National Institutes of Health
Classification: Likely benign for Tuberous sclerosis syndrome. Last evaluated: 2023-10-02. Review status: criteria provided, single submitter. Criteria: ACMG Guidelines, 2015. Collection method: clinical testing. Allele origin: germline. Inheritance: Autosomal dominant inheritance. Observed: 1 variant allele, 1 heterozygote.
Comment: This study involves interpretation of variants in research participants for the purpose of population health screening. Participant phenotype was not available at the time of variant classification. Additional details can be found in publication PMID: 35346344, PMCID: PMC8962531